The following is an entry in ClinVar:

NM_003227.4(TFR2):c.2054C>T (p.Ala685Val)

Genes: TFR2 (transferrin receptor 2; minus strand), LOC113687175 (Sharpr-MPRA regulatory region 4647; plus strand). Cytogenetic location: 7q22.1.
Variant type: single nucleotide variant.
Coding change: c.2054C>T on transcript NM_003227.4 (MANE Select); coding-DNA position 2054, C replaced by T.
Protein change: p.Ala685Val; replaces alanine 685 with valine.
Molecular consequence: missense variant.
Genome position (GRCh38, 1-based): chr7:100,626,845, G>A on the plus strand (C>T on the coding strand, the complement: TFR2 is on the minus strand). VCF-style: chr7-100626845-G-A. GRCh37 (hg19) VCF-style: chr7-100224468-G-A.
Other names: c.1541C>T, p.Ala514Val (NM_001206855.3); c.2054C>T (NM_003227.3); short protein forms A514V, A685V.
Identifiers: ClinVar variation 1013964 (VCV001013964.7), dbSNP rs765525964, ClinGen allele CA4386225.
Genomic context (GRCh38, chr7:100,626,845, plus strand): 5'-ATGCGTGTCAGTCGCTCGTCTCTCTCCTCCGAGCTGTAGATCTCCTGCCGCAGCTTTTCC[G>A]CCGCCCGGATGTAGTCCCCCCGCGCCGAGTACACCCACTGCAGGGTCAGCCCGCGGGCCT-3'
Protein context (NP_003218.2, residues 675-695): YSARGDYIRA[Ala685Val]EKLRQEIYSS

ClinVar aggregate classification (germline): Conflicting classifications of pathogenicity. Review status: criteria provided, conflicting classifications (1 of 4 stars). 4 submissions from 4 submitters: Uncertain significance (2); Likely benign (1). 1 of the submissions does not count toward it. Last evaluated 2026-03-30.

Conditions:
Hereditary hemochromatosis (HFE). Identifiers: MedGen C0392514, MONDO:0006507. Disease mechanism: loss of function.
Inborn genetic diseases. Identifiers: MedGen C0950123, MeSH D030342.
Hemochromatosis type 3 (HFE3). Also called: Hereditary hemochromatosis type 3; TFR2-Related Hemochromatosis; HEMOCHROMATOSIS DUE TO DEFECT IN TRANSFERRIN RECEPTOR 2. Identifiers: Orphanet 225123, MedGen C1858664, MONDO:0011417, OMIM 604250.

Allele frequency attached by ClinVar (database versions not stated): ExAC 0.00005; TOPMed 0.00003; gnomAD 0.00001; gnomAD exomes 0.00004.
gnomAD v4.1: 7 of 1,549,072 alleles (0.00045%); highest among the groups gnomAD compares: East Asian, 0.017%; no homozygotes.

Submissions (4):

GeneDx
Classification: Uncertain significance. Last evaluated: 2026-03-30. Review status: criteria provided, single submitter. Criteria: GeneDx Variant Classification Process June 2021. Collection method: clinical testing. Allele origin: germline.
Comment: In silico analysis suggests that this missense variant does not alter protein structure/function; Has not been previously published as pathogenic or benign to our knowledge

Labcorp Genetics (formerly Invitae), Labcorp
Classification: Likely benign for Hereditary hemochromatosis. Last evaluated: 2025-12-26. Review status: criteria provided, single submitter. Criteria: Invitae Variant Classification Sherloc (09022015). Collection method: clinical testing. Allele origin: germline.

Ambry Genetics
Classification: Uncertain significance for Inborn genetic diseases. Last evaluated: 2023-06-02. Review status: criteria provided, single submitter. Criteria: Ambry Variant Classification Scheme 2023. Collection method: clinical testing. Allele origin: germline.

Natera, Inc.
Classification: Uncertain significance for Hereditary hemochromatosis type 3. Last evaluated: 2020-03-11. Review status: no assertion criteria provided. Collection method: clinical testing. Allele origin: germline. Not counted in ClinVar's aggregate classification.